The following is an entry in ClinVar:

NM_001040108.2(MLH3):c.2226dup (p.Lys743Ter)

Gene: MLH3 (mutL homolog 3; minus strand). Cytogenetic location: 14q24.3.
Variant type: Duplication.
Coding change: c.2226dup on transcript NM_001040108.2 (MANE Select); coding-DNA position 2226, one base duplicated (T; older notation c.2226dupT).
Protein change: p.Lys743Ter; replaces lysine 743 with a stop codon.
Molecular consequence: nonsense.
Genome position (GRCh38, 1-based): chr14:75,047,430, A duplicated on the plus strand (T on the coding strand, the reverse complement: MLH3 is on the minus strand). VCF-style (leftmost placement, unchanged base first): chr14-75047429-T-TA. GRCh37 (hg19) VCF-style: chr14-75514132-T-TA.
Other names: c.2226dup, p.Lys743Ter (NM_014381.3); short protein forms K743*.
Identifiers: ClinVar variation 5042267 (VCV005042267.1).

ClinVar aggregate classification (germline): Pathogenic (1 of 4 stars; one submission).

Conditions:
Colorectal cancer, hereditary nonpolyposis, type 7. Identifiers: Orphanet 144, MedGen C1858380, MONDO:0013725, OMIM 614385.

Submission:

Myriad Genetics, Inc.
Classification: Pathogenic for Colorectal cancer, hereditary nonpolyposis, type 7. Last evaluated: 2026-08-27. Review status: criteria provided, single submitter. Criteria: Myriad Autosomal Dominant, Autosomal Recessive and X-Linked Classification Criteria (2023). Collection method: clinical testing. Allele origin: unknown.
Comment: This variant is considered pathogenic. This variant creates a termination codon and is predicted to result in premature protein truncation.